The following is an entry in ClinVar:

ClinVar aggregate classification (germline): Uncertain significance. Review status: criteria provided, multiple submitters, no conflicts (2 of 4 stars). 3 submissions from 3 submitters: Uncertain significance (3). Last evaluated 2024-12-24.

Conditions:
Hereditary cancer-predisposing syndrome. Also called: Hereditary Cancer Syndrome; Hereditary neoplastic syndrome; Neoplastic Syndromes, Hereditary; Tumor predisposition. Identifiers: Orphanet 140162, MedGen C0027672, MeSH D009386, MONDO:0015356.
Familial cancer of breast. Also called: BREAST CANCER, FAMILIAL; hereditary breast carcinoma; Hereditary breast cancer. Identifiers: Orphanet 227535, MedGen C0346153, MONDO:0016419, OMIM 114480. Disease mechanism: loss of function.

Allele frequency attached by ClinVar (database versions not stated): ExAC 0.00002.

Submissions (3):

Labcorp Genetics (formerly Invitae), Labcorp
Classification: Uncertain significance for Familial cancer of breast. Last evaluated: 2024-12-24. Review status: criteria provided, single submitter. Criteria: Invitae Variant Classification Sherloc (09022015). Collection method: clinical testing. Allele origin: germline.
Comment: This sequence change replaces aspartic acid, which is acidic and polar, with tyrosine, which is neutral and polar, at codon 207 of the CHEK2 protein (p.Asp207Tyr). This variant is not present in population databases (gnomAD no frequency). This variant has not been reported in the literature in individuals affected with CHEK2-related conditions. ClinVar contains an entry for this variant (Variation ID: 1752159). An algorithm developed to predict the effect of missense changes on protein structure and function (PolyPhen-2) suggests that this variant is likely to be disruptive. In summary, the available evidence is currently insufficient to determine the role of this variant in disease. Therefore, it has been classified as a Variant of Uncertain Significance.

Ambry Genetics
Classification: Uncertain significance for Hereditary cancer-predisposing syndrome. Last evaluated: 2024-10-21. Review status: criteria provided, single submitter. Criteria: Ambry Variant Classification Scheme 2023. Collection method: clinical testing. Allele origin: germline.
Comment: The p.D207Y variant (also known as c.619G>T), located in coding exon 4 of the CHEK2 gene, results from a G to T substitution at nucleotide position 619. The aspartic acid at codon 207 is replaced by tyrosine, an amino acid with highly dissimilar properties. This amino acid position is highly conserved in available vertebrate species. In addition, this alteration is predicted to be deleterious by in silico analysis. Since supporting evidence is limited at this time, the clinical significance of this alteration remains unclear.

GeneDx
Classification: Uncertain significance. Last evaluated: 2022-10-11. Review status: criteria provided, single submitter. Criteria: GeneDx Variant Classification Process June 2021. Collection method: clinical testing. Allele origin: germline. Affected: yes.
Comment: Not observed at significant frequency in large population cohorts (gnomAD); In silico analysis supports that this missense variant has a deleterious effect on protein structure/function; In-silico analysis is inconclusive as to whether the variant alters gene splicing. In the absence of RNA/functional studies, the actual effect of this sequence change is unknown.; Has not been previously published as pathogenic or benign to our knowledge

NM_007194.4(CHEK2):c.619G>T (p.Asp207Tyr)

Gene: CHEK2 (checkpoint kinase 2; minus strand). Cytogenetic location: 22q12.1.
Variant type: single nucleotide variant.
Coding change: c.619G>T on transcript NM_007194.4 (MANE Select); coding-DNA position 619, G replaced by T.
Protein change: p.Asp207Tyr; replaces aspartic acid 207 with tyrosine.
Molecular consequence: missense variant. On other transcripts: 5 prime UTR variant (2), intron variant (1).
Genome position (GRCh38, 1-based): chr22:28,719,459, C>A on the plus strand (G>T on the coding strand, the complement: CHEK2 is on the minus strand). VCF-style: chr22-28719459-C-A. GRCh37 (hg19) VCF-style: chr22-29115447-C-A.
Other names: c.748G>T, p.Asp250Tyr (NM_001005735.3, NM_001438294.1); c.-45G>T (NM_001257387.3, NM_001437942.1); c.712G>T, p.Asp238Tyr (NM_001438293.1, NM_001438295.1); c.619G>T, p.Asp207Tyr (NM_145862.3); c.482+5427G>T (NM_001349956.3); short protein forms D207Y, D250Y, D238Y.
Identifiers: ClinVar variation 1752159 (VCV001752159.6), dbSNP rs776728729, ClinGen allele CA10167931.